The following is an entry in ClinVar:

NM_016464.5(TMEM138):c.415del (p.Ala138_Val139insTer)

Gene: TMEM138 (transmembrane protein 138; plus strand). Cytogenetic location: 11q12.2.
Variant type: Deletion.
Coding change: c.415del on transcript NM_016464.5 (MANE Select); coding-DNA position 415, one base deleted (G; older notation c.415delG).
Protein change: p.Ala138_Val139insTer.
Molecular consequence: nonsense. On other transcripts: 3 prime UTR variant (1), non-coding transcript variant (1), intron variant (2).
Genome position (GRCh38, 1-based): chr11:61,368,635, G deleted. VCF-style (leftmost placement, unchanged base first): chr11-61368634-CG-C. GRCh37 (hg19) VCF-style: chr11-61136106-CG-C.
Other names: c.241del, p.Ala80_Val81insTer (NM_001330281.2); c.*479del (NM_001410999.1); c.376+637del (NM_001410998.1, NM_001410997.1); c.415delG (NM_016464.5).
Identifiers: ClinVar variation 3251666 (VCV003251666.1), dbSNP rs2539872157.

ClinVar aggregate classification (germline): Uncertain significance (1 of 4 stars; one submission).

Submission:

Women's Health and Genetics/Laboratory Corporation of America, LabCorp
Classification: Uncertain significance. Last evaluated: 2024-04-26. Review status: criteria provided, single submitter. Criteria: LabCorp Variant Classification Summary - May 2015. Collection method: clinical testing. Allele origin: germline.
Comment: Variant summary: TMEM138 c.415delG (p.Val139X) results in a premature termination codon, predicted to result in a truncation of the encoded protein but not expected to cause nonsense mediated decay. There are currently no downstream variants classified as Pathogenic by our laboratory or in publicly available databases, therefore the clinical importance of this region cannot be determined. The variant was absent in 251332 control chromosomes. The available data on variant occurrences in the general population are insufficient to allow any conclusion about variant significance. To our knowledge, no occurrence of c.415delG in individuals affected with Joubert Syndrome 16 and no experimental evidence demonstrating its impact on protein function have been reported. No submitters have cited clinical-significance assessments for this variant to ClinVar. Based on the evidence outlined above, the variant was classified as uncertain significance.